The following is an entry in ClinVar:

NM_000026.4(ADSL):c.40C>T (p.Arg14Cys)

Gene: ADSL (adenylosuccinate lyase; plus strand). Cytogenetic location: 22q13.1.
Variant type: single nucleotide variant.
Coding change: c.40C>T on transcript NM_000026.4 (MANE Select); coding-DNA position 40, C replaced by T.
Protein change: p.Arg14Cys; replaces arginine 14 with cysteine.
Molecular consequence: missense variant. On other transcripts: 5 prime UTR variant (1), non-coding transcript variant (1).
Genome position (GRCh38, 1-based): chr22:40,346,598, C>T. VCF-style: chr22-40346598-C-T. GRCh37 (hg19) VCF-style: chr22-40742602-C-T.
Other names: p.R14C:CGC>TGC; c.40C>T, p.Arg14Cys (NM_001123378.3, NM_001363840.3); c.-98C>T (NM_001317923.2); short protein forms R14C.
Identifiers: ClinVar variation 204809 (VCV000204809.24), dbSNP rs766465184, ClinGen allele CA313132.

ClinVar aggregate classification (germline): Uncertain significance. Review status: criteria provided, multiple submitters, no conflicts (2 of 4 stars). 5 submissions from 5 submitters: Uncertain significance (5). Last evaluated 2025-05-01.

Conditions:
Adenylosuccinate lyase deficiency (ADSLD). Also called: ADSL DEFICIENCY. Identifiers: Orphanet 46, MedGen C0268126, MONDO:0007068, OMIM 103050.

Allele frequency attached by ClinVar (database versions not stated): gnomAD exomes 0.00001 and 0.00011; ExAC 0.00003; gnomAD 0.00003 and 0.00004; TOPMed 0.00004.
gnomAD v4.1: 173 of 1,607,696 alleles (0.011%); highest among the groups gnomAD compares: Non-Finnish European, 0.014%; no homozygotes.

Submissions (5):

CeGaT Center for Human Genetics Tuebingen
Classification: Uncertain significance. Last evaluated: 2025-05-01. Review status: criteria provided, single submitter. Criteria: CeGaT Center For Human Genetics Tuebingen Variant Classification Criteria Version 2. Collection method: clinical testing. Allele origin: germline. Affected: yes. Observed: 1 variant allele.

GeneDx
Classification: Uncertain significance. Last evaluated: 2025-01-22. Review status: criteria provided, single submitter. Criteria: GeneDx Variant Classification Process June 2021. Collection method: clinical testing. Allele origin: germline. Affected: yes.
Comment: Not observed at significant frequency in large population cohorts (gnomAD); In silico analysis supports that this missense variant has a deleterious effect on protein structure/function; Has not been previously published as pathogenic or benign to our knowledge

Labcorp Genetics (formerly Invitae), Labcorp
Classification: Uncertain significance for Adenylosuccinate lyase deficiency. Last evaluated: 2022-06-30. Review status: criteria provided, single submitter. Criteria: Invitae Variant Classification Sherloc (09022015). Collection method: clinical testing. Allele origin: germline.
Comment: This sequence change replaces arginine, which is basic and polar, with cysteine, which is neutral and slightly polar, at codon 14 of the ADSL protein (p.Arg14Cys). This variant is present in population databases (rs766465184, gnomAD 0.003%). This variant has not been reported in the literature in individuals affected with ADSL-related conditions. ClinVar contains an entry for this variant (Variation ID: 204809). Advanced modeling of protein sequence and biophysical properties (such as structural, functional, and spatial information, amino acid conservation, physicochemical variation, residue mobility, and thermodynamic stability) performed at Invitae indicates that this missense variant is not expected to disrupt ADSL protein function. In summary, the available evidence is currently insufficient to determine the role of this variant in disease. Therefore, it has been classified as a Variant of Uncertain Significance.

Fulgent Genetics
Classification: Uncertain significance for Adenylosuccinate lyase deficiency. Last evaluated: 2021-11-15. Review status: criteria provided, single submitter. Criteria: ACMG Guidelines, 2015. Collection method: clinical testing. Allele origin: unknown.

Eurofins Ntd Llc (ga)
Classification: Uncertain significance. Last evaluated: 2017-06-02. Review status: criteria provided, single submitter. Criteria: EGL Classification Definitions 2015. Collection method: clinical testing. Allele origin: germline. Observed: 1 variant allele, 1 heterozygote.